The following is an entry in ClinVar:

ClinVar aggregate classification (germline): Likely pathogenic (1 of 4 stars; one submission).

Conditions:
De Lange syndrome (CDLS). Also called: Cornelia de Lange syndrome; CDL. Identifiers: Orphanet 199, MedGen C0270972, MONDO:0016033.

Submission:

Illumina Laboratory Services, Illumina
Classification: Likely pathogenic for De Lange syndrome. Last evaluated: 2021-03-10. Review status: criteria provided, single submitter. Criteria: ICSLVariantClassificationCriteria RUGD 01 April 2020. Collection method: clinical testing. Allele origin: unknown.
Comment: The RAD21 c.233_234delGT (p.Cys78Ter) variant is a frameshift variant that is predicted to result in a premature termination or absence of the protein. A literature search was performed for the gene, cDNA change, and amino acid change. No publications were found based on this search. This variant is not found in the Genome Aggregation Database in a region of good sequencing coverage, so the variant is presumed to be rare. Based on the predicted truncating nature of the variant and its rarity, the p.Cys78Ter variant is classified as likely pathogenic for Cornelia de Lange syndrome.

NM_006265.3(RAD21):c.233_234del (p.Asp77_Cys78insTer)

Gene: RAD21 (RAD21 cohesin complex component; minus strand). Cytogenetic location: 8q24.11.
Variant type: Deletion.
Coding change: c.233_234del on transcript NM_006265.3 (MANE Select); coding-DNA positions 233 to 234, 2 bases deleted (GT; older notation c.233_234delGT).
Protein change: p.Asp77_Cys78insTer.
Molecular consequence: nonsense.
Genome position (GRCh38, 1-based): chr8:116,863,170-116,863,171, AC deleted on the plus strand (GT on the coding strand, the reverse complement: RAD21 is on the minus strand); deleting any 2 consecutive bases within chr8:116,863,170-116,863,172 gives the same sequence; the c. name uses the placement nearest the transcript's 3' end. VCF-style (leftmost placement, unchanged base first): chr8-116863169-TAC-T. GRCh37 (hg19) VCF-style: chr8-117875408-TAC-T.
Identifiers: ClinVar variation 1199230 (VCV001199230.4), dbSNP rs2130479407, ClinGen allele CA2499219097.